The following is an entry in ClinVar:

NM_020975.6(RET):c.299G>A (p.Ser100Asn)

Gene: RET (ret proto-oncogene; plus strand). Cytogenetic location: 10q11.21.
Variant type: single nucleotide variant.
Coding change: c.299G>A on transcript NM_020975.6 (MANE Select); coding-DNA position 299, G replaced by A.
Protein change: p.Ser100Asn; replaces serine 100 with asparagine.
Molecular consequence: missense variant.
Genome position (GRCh38, 1-based): chr10:43,100,684, G>A. VCF-style: chr10-43100684-G-A. GRCh37 (hg19) VCF-style: chr10-43596132-G-A.
Other names: c.299G>A, p.Ser100Asn (NM_000323.2, NM_001406743.1, NM_001406744.1 and 34 more transcripts); short protein forms S100N.
Identifiers: ClinVar variation 486346 (VCV000486346.12), dbSNP rs1554817407, ClinGen allele CA376770519.

ClinVar aggregate classification (germline): Uncertain significance. Review status: criteria provided, multiple submitters, no conflicts (2 of 4 stars). 2 submissions from 2 submitters: Uncertain significance (2). Last evaluated 2024-05-06.

Conditions:
Hereditary cancer-predisposing syndrome. Also called: Tumor predisposition; Hereditary Cancer Syndrome; Hereditary neoplastic syndrome; Neoplastic Syndromes, Hereditary. Identifiers: Orphanet 140162, MedGen C0027672, MeSH D009386, MONDO:0015356.
Multiple endocrine neoplasia, type 2 (MEN2). Identifiers: Orphanet 653, MedGen C4048306, MONDO:0019003. Disease mechanism: gain of function.

Allele frequency attached by ClinVar (database versions not stated): gnomAD exomes below 0.00001.
gnomAD v4.1: 4 of 1,609,288 alleles (0.00025%); highest among the groups gnomAD compares: African/African-American, 0.0013%; no homozygotes.

Submissions (2):

Labcorp Genetics (formerly Invitae), Labcorp
Classification: Uncertain significance for Multiple endocrine neoplasia, type 2. Last evaluated: 2024-05-06. Review status: criteria provided, single submitter. Criteria: Invitae Variant Classification Sherloc (09022015). Collection method: clinical testing. Allele origin: germline.
Comment: This sequence change replaces serine, which is neutral and polar, with asparagine, which is neutral and polar, at codon 100 of the RET protein (p.Ser100Asn). This variant is not present in population databases (gnomAD no frequency). This variant has not been reported in the literature in individuals affected with RET-related conditions. ClinVar contains an entry for this variant (Variation ID: 486346). An algorithm developed to predict the effect of missense changes on protein structure and function (PolyPhen-2) suggests that this variant is likely to be disruptive. In summary, the available evidence is currently insufficient to determine the role of this variant in disease. Therefore, it has been classified as a Variant of Uncertain Significance.

Ambry Genetics
Classification: Uncertain significance for Hereditary cancer-predisposing syndrome. Last evaluated: 2023-12-13. Review status: criteria provided, single submitter. Criteria: Ambry Variant Classification Scheme 2023. Collection method: clinical testing. Allele origin: germline.
Comment: The p.S100N variant (also known as c.299G>A), located in coding exon 2 of the RET gene, results from a G to A substitution at nucleotide position 299. The serine at codon 100 is replaced by asparagine, an amino acid with highly similar properties. This amino acid position is highly conserved in available vertebrate species. In addition, this alteration is predicted to be tolerated by in silico analysis. Since supporting evidence is limited at this time, the clinical significance of this alteration remains unclear.